The following is an entry in ClinVar:

ClinVar aggregate classification (germline): Uncertain significance (1 of 4 stars; one submission).

Allele frequency attached by ClinVar (database versions not stated): gnomAD exomes below 0.00001; TOPMed 0.00002; gnomAD 0.00003.
gnomAD v4.1: 6 of 1,613,942 alleles (0.00037%); highest among the groups gnomAD compares: African/African-American, 0.0067%; no homozygotes.

Submission:

Labcorp Genetics (formerly Invitae), Labcorp
Classification: Uncertain significance. Last evaluated: 2022-06-15. Review status: criteria provided, single submitter. Criteria: Invitae Variant Classification Sherloc (09022015). Collection method: clinical testing. Allele origin: germline.
Comment: This sequence change replaces aspartic acid, which is acidic and polar, with asparagine, which is neutral and polar, at codon 2718 of the VCAN protein (p.Asp2718Asn). This variant is present in population databases (no rsID available, gnomAD 0.02%). This variant has not been reported in the literature in individuals affected with VCAN-related conditions. In summary, the available evidence is currently insufficient to determine the role of this variant in disease. Therefore, it has been classified as a Variant of Uncertain Significance. Algorithms developed to predict the effect of missense changes on protein structure and function are either unavailable or do not agree on the potential impact of this missense change (SIFT: "Deleterious"; PolyPhen-2: "Probably Damaging"; Align-GVGD: "Class C15").

NM_004385.5(VCAN):c.8152G>A (p.Asp2718Asn)

Genes: VCAN (versican; plus strand), VCAN-AS1 (VCAN antisense RNA 1; minus strand). Cytogenetic location: 5q14.3.
Variant type: single nucleotide variant.
Coding change: c.8152G>A on transcript NM_004385.5 (MANE Select); coding-DNA position 8152, G replaced by A.
Protein change: p.Asp2718Asn; replaces aspartic acid 2718 with asparagine.
Molecular consequence: missense variant. On other transcripts: intron variant (2).
Genome position (GRCh38, 1-based): chr5:83,541,155, G>A. VCF-style: chr5-83541155-G-A. GRCh37 (hg19) VCF-style: chr5-82836974-G-A.
Other names: c.5191G>A, p.Asp1731Asn (NM_001164097.2); c.4004-4382G>A (NM_001164098.2); c.1043-4382G>A (NM_001126336.3); short protein forms D2718N, D1731N.
Identifiers: ClinVar variation 1374461 (VCV001374461.6), dbSNP rs978512183, ClinGen allele CA121811644.
Genomic context (GRCh38, chr5:83,541,155, plus strand): 5'-AAGTCTGCCACAGTTATTCCAGAGATTGAAGGAATAAAAGCTGAAGCAAAAGCCCTGGAT[G>A]ACATGTTTGAATCAAGCACTTTGTCTGATGGTCAAGCTATTGCAGACCAAAGTGAAATAA-3'
Protein context (NP_004376.2, residues 2708-2728): GIKAEAKALD[Asp2718Asn]MFESSTLSDG